The following is an entry in ClinVar:

ClinVar aggregate classification (germline): Pathogenic (1 of 4 stars; one submission).

Conditions:
Fanconi anemia (FA). Also called: Fanconi's anemia. Identifiers: Orphanet 84, MedGen C0015625, MeSH D005199, MONDO:0019391.

Submission:

Labcorp Genetics (formerly Invitae), Labcorp
Classification: Pathogenic for Fanconi anemia. Last evaluated: 2016-09-29. Review status: criteria provided, single submitter. Criteria: Invitae Variant Classification Sherloc (09022015). Collection method: clinical testing. Allele origin: germline.
Comment: This sequence change creates a premature translational stop signal at codon 1260 (p.Tyr1260*) of the FANCI gene. It is expected to result in an absent or disrupted protein product. While this particular variant has not been reported in the literature, loss-of-function variants in FANCI are known to be pathogenic (PMID: 17452773, 17460694). For these reasons, this variant has been classified as Pathogenic.

Literature cited by the submitters: PubMed 17452773; PubMed 17460694.

NM_001113378.2(FANCI):c.3780T>A (p.Tyr1260Ter)

Gene: FANCI (FA complementation group I; plus strand). Cytogenetic location: 15q26.1.
Variant type: single nucleotide variant.
Coding change: c.3780T>A on transcript NM_001113378.2 (MANE Select); coding-DNA position 3780, T replaced by A.
Protein change: p.Tyr1260Ter; replaces tyrosine 1260 with a stop codon.
Molecular consequence: nonsense.
Genome position (GRCh38, 1-based): chr15:89,314,671, T>A. VCF-style: chr15-89314671-T-A. GRCh37 (hg19) VCF-style: chr15-89857902-T-A.
Other names: c.3501T>A, p.Tyr1167Ter (NM_001376910.1); c.3780T>A, p.Tyr1260Ter (NM_001376911.1); c.3600T>A, p.Tyr1200Ter (NM_018193.3); short protein forms Y1260*, Y1200*, Y1167*.
Identifiers: ClinVar variation 408248 (VCV000408248.6), dbSNP rs1060501900, ClinGen allele CA16614937.